The following is an entry in ClinVar:

NM_000548.5(TSC2):c.1119+6G>C

Gene: TSC2 (TSC complex subunit 2; plus strand). Cytogenetic location: 16p13.3.
Variant type: single nucleotide variant.
Coding change: c.1119+6G>C on transcript NM_000548.5 (MANE Select); 6 bases into the intron after coding-DNA position 1119, G replaced by C.
Molecular consequence: intron variant.
Genome position (GRCh38, 1-based): chr16:2,060,819, G>C. VCF-style: chr16-2060819-G-C. GRCh37 (hg19) VCF-style: chr16-2110820-G-C.
Other names: c.1119+6G>C (NM_001114382.3, NM_021055.3, NM_001370405.1 and 3 more transcripts); c.1008+6G>C (NM_001318827.2); c.519+6G>C (NM_001318831.2); c.972+6G>C (NM_001318829.2); c.1152+6G>C (NM_001318832.2).
Identifiers: ClinVar variation 64948 (VCV000064948.57), dbSNP rs397515305, ClinGen allele CA013868.

ClinVar aggregate classification (germline): Benign/Likely benign. Review status: criteria provided, multiple submitters, no conflicts (2 of 4 stars). 6 submissions from 6 submitters: Benign (2); Likely benign (3). 1 of the submissions does not count toward it. Last evaluated 2025-08-13.

Conditions:
Lymphangiomyomatosis (LAM). Also called: Lymphangioleiomyomatosis; Lymphangioleiomyomatosis, somatic. Identifiers: Orphanet 538, MedGen C0751674, MONDO:0011705, OMIM 606690.
Isolated focal cortical dysplasia type II (FCORD2). Also called: CORTICAL DYSPLASIA OF TAYLOR; Focal cortical dysplasia type II. Identifiers: Orphanet 268994, MedGen C1846385, MONDO:0011818, OMIM 607341, HP:0032051.
Tuberous sclerosis 2 (TSC2). Identifiers: Orphanet 805, MedGen C1860707, MONDO:0013199, OMIM 613254.
Tuberous sclerosis syndrome (TSC). Also called: Tuberous Sclerosis Complex; Tuberous sclerosis. Identifiers: Orphanet 805, MedGen C0041341, MONDO:0001734.

Allele frequency attached by ClinVar (database versions not stated): gnomAD exomes 0.00002; TOPMed 0.00006.
gnomAD v4.1: 20 of 1,613,216 alleles (0.0012%); highest among the groups gnomAD compares: East Asian, 0.022%; no homozygotes.

Submissions (6):

Labcorp Genetics (formerly Invitae), Labcorp
Classification: Benign for Tuberous sclerosis 2. Last evaluated: 2025-08-13. Review status: criteria provided, single submitter. Criteria: Invitae Variant Classification Sherloc (09022015). Collection method: clinical testing. Allele origin: germline.

Myriad Genetics, Inc.
Classification: Likely benign for Tuberous sclerosis 2. Last evaluated: 2024-08-07. Review status: criteria provided, single submitter. Criteria: Myriad Autosomal Dominant, Autosomal Recessive and X-Linked Classification Criteria (2023). Collection method: clinical testing. Allele origin: unknown.
Comment: This variant is considered likely benign. This variant is intronic and is not expected to impact mRNA splicing. This variant has been observed at a population frequency that is significantly greater than expected given the associated disease prevalence and penetrance.

Fulgent Genetics
Classification: Likely benign for Lymphangiomyomatosis; Isolated focal cortical dysplasia type II; Tuberous sclerosis 2. Last evaluated: 2022-01-03. Review status: criteria provided, single submitter. Criteria: ACMG Guidelines, 2015. Collection method: clinical testing. Allele origin: unknown.

Genome-Nilou Lab
Classification: Benign for Tuberous sclerosis 2. Last evaluated: 2021-11-07. Review status: criteria provided, single submitter. Criteria: ACMG Guidelines, 2015. Collection method: clinical testing. Allele origin: germline. Affected: no.

CeGaT Center for Human Genetics Tuebingen
Classification: Likely benign. Last evaluated: 2018-10-01. Review status: criteria provided, single submitter. Criteria: CeGaT Center For Human Genetics Tuebingen Variant Classification Criteria Version 2. Collection method: clinical testing. Allele origin: germline. Affected: yes. Observed: 1 variant allele.

Tuberous sclerosis database (TSC2)
No classification provided. Condition: TSC. Review status: no classification provided. Criteria: Tuberous Sclerosis Database Assertion Criteria 2015. Collection method: curation. Allele origin: germline. Affected: yes. Not counted in ClinVar's aggregate classification.